The following is an entry in ClinVar:

NM_004168.4(SDHA):c.1667T>C (p.Met556Thr)

Gene: SDHA (succinate dehydrogenase complex flavoprotein subunit A; plus strand). Cytogenetic location: 5p15.33.
Variant type: single nucleotide variant.
Coding change: c.1667T>C on transcript NM_004168.4 (MANE Select); coding-DNA position 1667, T replaced by C.
Protein change: p.Met556Thr; replaces methionine 556 with threonine.
Molecular consequence: missense variant. On other transcripts: intron variant (1).
Genome position (GRCh38, 1-based): chr5:251,341, T>C. VCF-style: chr5-251341-T-C. GRCh37 (hg19) VCF-style: chr5-251456-T-C.
Other names: c.1523T>C, p.Met508Thr (NM_001294332.2); c.1552-3052T>C (NM_001330758.2); short protein forms M508T, M556T.
Identifiers: ClinVar variation 819774 (VCV000819774.20), dbSNP rs1579438769, ClinGen allele CA358999836.
Genomic context (GRCh38, chr5:251,341, plus strand): 5'-GGAGGGCCCATGTGACTGGGTCCCGCCTGCCCCTGATGGAACTTTTTGTGTCCCCAGGAA[T>C]GGTCTGGAACACGGACCTGGTGGAGACCCTGGAGCTGCAGAACCTGATGCTGTGTGCGCT-3'
Protein context (NP_004159.2, residues 546-566): LKHLKTFDRG[Met556Thr]VWNTDLVETL

ClinVar aggregate classification (germline): Uncertain significance. Review status: criteria provided, multiple submitters, no conflicts (2 of 4 stars). 4 submissions from 4 submitters: Uncertain significance (4). Last evaluated 2025-07-03.

Conditions:
Pheochromocytoma/paraganglioma syndrome 5. Also called: Paragangliomas 5; SDHA-Related Hereditary Paraganglioma-Pheochromocytoma Syndrome. Identifiers: Orphanet 29072, MedGen C3279992, MONDO:0013602, OMIM 614165.
Mitochondrial complex II deficiency, nuclear type 1. Also called: SUCCINATE CoQ REDUCTASE DEFICIENCY. Identifiers: Orphanet 3208, MedGen C5700310, MONDO:0100294, OMIM 252011.
Dilated cardiomyopathy 1GG (CMD1GG). Identifiers: Orphanet 154, MedGen C3150898, MONDO:0013339, OMIM 613642.
Neurodegeneration with ataxia and late-onset optic atrophy. Identifiers: MedGen C5543254, MONDO:0031006, OMIM 619259.
Hereditary cancer-predisposing syndrome. Also called: Tumor predisposition; Hereditary neoplastic syndrome; Neoplastic Syndromes, Hereditary; Hereditary Cancer Syndrome. Identifiers: Orphanet 140162, MedGen C0027672, MeSH D009386, MONDO:0015356.

Submissions (4):

Ambry Genetics
Classification: Uncertain significance for Hereditary cancer-predisposing syndrome. Last evaluated: 2025-07-03. Review status: criteria provided, single submitter. Criteria: Ambry Variant Classification Scheme 2023. Collection method: clinical testing. Allele origin: germline.
Comment: The p.M556T variant (also known as c.1667T>C), located in coding exon 13 of the SDHA gene, results from a T to C substitution at nucleotide position 1667. The methionine at codon 556 is replaced by threonine, an amino acid with similar properties. This amino acid position is highly conserved through mammals but not in all available vertebrate species. In addition, the in silico prediction for this alteration is inconclusive. Since supporting evidence is limited at this time, the clinical significance of this alteration remains unclear.

Labcorp Genetics (formerly Invitae), Labcorp
Classification: Uncertain significance for Pheochromocytoma/paraganglioma syndrome 5; Mitochondrial complex II deficiency, nuclear type 1. Last evaluated: 2025-06-16. Review status: criteria provided, single submitter. Criteria: Invitae Variant Classification Sherloc (09022015). Collection method: clinical testing. Allele origin: germline.
Comment: This sequence change replaces methionine, which is neutral and non-polar, with threonine, which is neutral and polar, at codon 556 of the SDHA protein (p.Met556Thr). This variant is not present in population databases (gnomAD no frequency). This variant has not been reported in the literature in individuals affected with SDHA-related conditions. ClinVar contains an entry for this variant (Variation ID: 819774). Invitae Evidence Modeling of protein sequence and biophysical properties (such as structural, functional, and spatial information, amino acid conservation, physicochemical variation, residue mobility, and thermodynamic stability) indicates that this missense variant is not expected to disrupt SDHA protein function with a negative predictive value of 95%. In summary, the available evidence is currently insufficient to determine the role of this variant in disease. Therefore, it has been classified as a Variant of Uncertain Significance.

Fulgent Genetics
Classification: Uncertain significance for Mitochondrial complex II deficiency, nuclear type 1; Dilated cardiomyopathy 1GG; Pheochromocytoma/paraganglioma syndrome 5; Neurodegeneration with ataxia and late-onset optic atrophy. Last evaluated: 2024-04-18. Review status: criteria provided, single submitter. Criteria: ACMG Guidelines, 2015. Collection method: clinical testing. Allele origin: germline.

Women's Health and Genetics/Laboratory Corporation of America, LabCorp
Classification: Uncertain significance. Last evaluated: 2023-10-24. Review status: criteria provided, single submitter. Criteria: LabCorp Variant Classification Summary - May 2015. Collection method: clinical testing. Allele origin: germline.
Comment: Variant summary: SDHA c.1667T>C (p.Met556Thr) results in a non-conservative amino acid change located in the C-terminal domain (IPR015939) of the encoded protein sequence. Three of five in-silico tools predict a benign effect of the variant on protein function. The variant was absent in 246656 control chromosomes (gnomAD). The available data on variant occurrences in the general population are insufficient to allow any conclusion about variant significance. To our knowledge, no occurrence of c.1667T>C in individuals affected with Neurodegeneration With Ataxia And Late-Onset Optic Atrophy and no experimental evidence demonstrating its impact on protein function have been reported. Two submitters have cited clinical-significance assessments for this variant to ClinVar after 2014. All submitters classified the variant as uncertain significance. Based on the evidence outlined above, the variant was classified as uncertain significance.